The following is an entry in ClinVar:

NM_198565.3(NRROS):c.102C>G (p.Cys34Trp)

Gene: NRROS (negative regulator of reactive oxygen species; plus strand). Cytogenetic location: 3q29.
Variant type: single nucleotide variant.
Coding change: c.102C>G on transcript NM_198565.3 (MANE Select); coding-DNA position 102, C replaced by G.
Protein change: p.Cys34Trp; replaces cysteine 34 with tryptophan.
Molecular consequence: missense variant.
Genome position (GRCh38, 1-based): chr3:196,654,641, C>G. VCF-style: chr3-196654641-C-G. GRCh37 (hg19) VCF-style: chr3-196381512-C-G.
Other names: short protein forms C34W.
Identifiers: ClinVar variation 3602535 (VCV003602535.1).

ClinVar aggregate classification (germline): Uncertain significance (1 of 4 stars; one submission).

Submission:

GeneDx
Classification: Uncertain significance. Last evaluated: 2024-07-31. Review status: criteria provided, single submitter. Criteria: GeneDx Variant Classification Process June 2021. Collection method: clinical testing. Allele origin: germline. Affected: yes.
Comment: Not observed at significant frequency in large population cohorts (gnomAD); In silico analysis supports that this missense variant has a deleterious effect on protein structure/function; Has not been previously published as pathogenic or benign to our knowledge